The following is an entry in ClinVar:

NM_000238.4(KCNH2):c.28C>A (p.Pro10Thr)

Gene: KCNH2 (potassium voltage-gated channel subfamily H member 2; minus strand). Cytogenetic location: 7q36.1.
Variant type: single nucleotide variant.
Coding change: c.28C>A on transcript NM_000238.4 (MANE Select); coding-DNA position 28, C replaced by A.
Protein change: p.Pro10Thr; replaces proline 10 with threonine.
Molecular consequence: missense variant. On other transcripts: non-coding transcript variant (1).
Genome position (GRCh38, 1-based): chr7:150,977,886, G>T on the plus strand (C>A on the coding strand, the complement: KCNH2 is on the minus strand). VCF-style: chr7-150977886-G-T. GRCh37 (hg19) VCF-style: chr7-150674974-G-T.
Other names: c.28C>A, p.Pro10Thr (NM_172056.3); short protein forms P10T.
Identifiers: ClinVar variation 3532310 (VCV003532310.1).

ClinVar aggregate classification (germline): Uncertain significance (1 of 4 stars; one submission).

Conditions:
Cardiovascular phenotype. Identifiers: MedGen CN230736.

Submission:

Ambry Genetics
Classification: Uncertain significance for Cardiovascular phenotype. Last evaluated: 2024-06-26. Review status: criteria provided, single submitter. Criteria: Ambry Variant Classification Scheme 2023. Collection method: clinical testing. Allele origin: germline.
Comment: The p.P10T variant (also known as c.28C>A), located in coding exon 1 of the KCNH2 gene, results from a C to A substitution at nucleotide position 28. The proline at codon 10 is replaced by threonine, an amino acid with highly similar properties. This amino acid position is well conserved in available vertebrate species. In addition, the in silico prediction for this alteration is inconclusive. Based on the available evidence, the clinical significance of this variant remains unclear.